The following is an entry in ClinVar:

NM_000053.4(ATP7B):c.814G>C (p.Val272Leu)

Gene: ATP7B (ATPase copper transporting beta; minus strand). Cytogenetic location: 13q14.3.
Variant type: single nucleotide variant.
Coding change: c.814G>C on transcript NM_000053.4 (MANE Select); coding-DNA position 814, G replaced by C.
Protein change: p.Val272Leu; replaces valine 272 with leucine.
Molecular consequence: missense variant. On other transcripts: intron variant (1).
Genome position (GRCh38, 1-based): chr13:51,974,406, C>G on the plus strand (G>C on the coding strand, the complement: ATP7B is on the minus strand). VCF-style: chr13-51974406-C-G. GRCh37 (hg19) VCF-style: chr13-52548542-C-G.
Other names: c.814G>C, p.Val272Leu (NM_001005918.3, NM_001330578.2, NM_001330579.2 and 29 more transcripts); c.718G>C, p.Val240Leu (NM_001406517.1, NM_001406518.1, NM_001406530.1 and 3 more transcripts); c.802+12G>C (NM_001243182.2); short protein forms V240L, V272L.
Identifiers: ClinVar variation 2145365 (VCV002145365.1), dbSNP rs771501259, ClinGen allele CA388041207.
Genomic context (GRCh38, chr13:51,974,406, plus strand): 5'-AGGACACTTGAATACTTTGAACCCCTAGGAGCTGGCCAATATTTTCTTCAATATTCAAGA[C>G]GCAAGACTTACAATGCATTCCATCTATTCTCAGTTGGAGGGTGACCACATGGCTTCCTTG-3'
Protein context (NP_000044.2, residues 262-282): RIDGMHCKSC[Val272Leu]LNIEENIGQL

ClinVar aggregate classification (germline): Uncertain significance (1 of 4 stars; one submission).

Conditions:
Wilson disease (WND). Also called: Wilson's disease. Identifiers: Orphanet 905, MedGen C0019202, MONDO:0010200, OMIM 277900. Disease mechanism: loss of function.

Submission:

Labcorp Genetics (formerly Invitae), Labcorp
Classification: Uncertain significance for Wilson disease. Last evaluated: 2021-12-24. Review status: criteria provided, single submitter. Criteria: Invitae Variant Classification Sherloc (09022015). Collection method: clinical testing. Allele origin: germline.
Comment: This sequence change replaces valine, which is neutral and non-polar, with leucine, which is neutral and non-polar, at codon 272 of the ATP7B protein (p.Val272Leu). This variant is present in population databases (no rsID available, gnomAD 0.006%). This variant has not been reported in the literature in individuals affected with ATP7B-related conditions. Algorithms developed to predict the effect of missense changes on protein structure and function are either unavailable or do not agree on the potential impact of this missense change (SIFT: "Deleterious"; PolyPhen-2: "Possibly Damaging"; Align-GVGD: "Class C0"). In summary, the available evidence is currently insufficient to determine the role of this variant in disease. Therefore, it has been classified as a Variant of Uncertain Significance.